The following is an entry in ClinVar:

ClinVar aggregate classification (germline): Uncertain significance. Review status: criteria provided, multiple submitters, no conflicts (2 of 4 stars). 3 submissions from 3 submitters: Uncertain significance (3). Last evaluated 2026-02-05.

Conditions:
COL9A3-related disorder. Also called: COL9A3-related condition.

Submissions (3):

PreventionGenetics, part of Exact Sciences
Classification: Uncertain significance for COL9A3-related condition. Last evaluated: 2026-02-05. Review status: criteria provided, single submitter. Criteria: ACMG Guidelines, 2015. Collection method: clinical testing. Allele origin: germline.
Comment: The COL9A3 c.1623_1625dupCGC variant is predicted to result in an in-frame duplication (p.Ala542dup). To our knowledge, this variant has not been reported in the literature. This variant is reported in 0.0023% of alleles in individuals of European (Non-Finnish) descent in gnomAD. At this time, the clinical significance of this variant is uncertain due to the absence of conclusive functional and genetic evidence.

Labcorp Genetics (formerly Invitae), Labcorp
Classification: Uncertain significance. Last evaluated: 2026-01-24. Review status: criteria provided, single submitter. Criteria: Invitae Variant Classification Sherloc (09022015). Collection method: clinical testing. Allele origin: germline.
Comment: This variant, c.1623_1625dup, results in the insertion of 1 amino acid(s) of the COL9A3 protein (p.Ala542dup), but otherwise preserves the integrity of the reading frame. This variant is present in population databases (rs769099389, gnomAD 0.002%). This variant has not been reported in the literature in individuals affected with COL9A3-related conditions. ClinVar contains an entry for this variant (Variation ID: 1063565). Experimental studies and prediction algorithms are not available or were not evaluated, and the functional significance of this variant is currently unknown. In summary, the available evidence is currently insufficient to determine the role of this variant in disease. Therefore, it has been classified as a Variant of Uncertain Significance.

GeneDx
Classification: Uncertain significance. Last evaluated: 2023-08-17. Review status: criteria provided, single submitter. Criteria: GeneDx Variant Classification Process June 2021. Collection method: clinical testing. Allele origin: germline. Affected: yes.
Comment: Has not been previously published as pathogenic or benign to our knowledge; Not observed at significant frequency in large population cohorts (gnomAD); In-frame duplication of 1 amino acid in a non-repeat region

NM_001853.4(COL9A3):c.1623_1625dup (p.Ala542dup)

Gene: COL9A3 (collagen type IX alpha 3 chain; plus strand). Cytogenetic location: 20q13.33.
Variant type: Duplication.
Coding change: c.1623_1625dup on transcript NM_001853.4 (MANE Select); coding-DNA positions 1623 to 1625, 3 bases duplicated (CGC; older notation c.1623_1625dupCGC).
Protein change: p.Ala542dup; duplicates alanine 542.
Molecular consequence: inframe insertion.
Genome position (GRCh38, 1-based): chr20:62,837,102-62,837,104, CGC duplicated; duplicating any 3 consecutive bases within chr20:62,837,100-62,837,104 gives the same sequence; the c. name uses the placement nearest the transcript's 3' end. VCF-style (leftmost placement, unchanged base first): chr20-62837099-A-AGCC. GRCh37 (hg19) VCF-style: chr20-61468451-A-AGCC.
Other names: c.1623_1625dup (NM_001853.3); c.1623_1625dupCGC (NM_001853.3).
Identifiers: ClinVar variation 1063565 (VCV001063565.11), dbSNP rs769099389, ClinGen allele CA9950120.